The following is an entry in ClinVar:

NM_152468.5(TMC8):c.480G>A (p.Pro160=)

Gene: TMC8 (transmembrane channel like 8; plus strand). Cytogenetic location: 17q25.3.
Variant type: single nucleotide variant.
Coding change: c.480G>A on transcript NM_152468.5 (MANE Select); coding-DNA position 480, G replaced by A.
Protein change: p.Pro160=; no amino-acid change (proline 160 retained).
Molecular consequence: synonymous variant.
Genome position (GRCh38, 1-based): chr17:78,132,819, G>A. VCF-style: chr17-78132819-G-A. GRCh37 (hg19) VCF-style: chr17-76128900-G-A.
Identifiers: ClinVar variation 721459 (VCV000721459.14), dbSNP rs150261314, ClinGen allele CA8796472.

ClinVar aggregate classification (germline): Benign/Likely benign. Review status: criteria provided, multiple submitters, no conflicts (2 of 4 stars). 3 submissions from 3 submitters: Benign (1); Likely benign (1). 1 of the submissions does not count toward it. Last evaluated 2025-12-24.

Conditions:
Epidermodysplasia verruciformis. Identifiers: Orphanet 302, MedGen C0014522, MONDO:0009176.
TMC8-related disorder. Also called: TMC8-related condition.

Allele frequency attached by ClinVar (database versions not stated): gnomAD 0.00012 and 0.00015; ESP Exome Variant Server 0.00015; TOPMed 0.00019; 1000 Genomes Project 0.00100; 1000 Genomes Project 30x 0.00109.

Submissions (3):

Labcorp Genetics (formerly Invitae), Labcorp
Classification: Benign for Epidermodysplasia verruciformis. Last evaluated: 2025-12-24. Review status: criteria provided, single submitter. Criteria: Invitae Variant Classification Sherloc (09022015). Collection method: clinical testing. Allele origin: germline.

Blueprint Genetics
Classification: Likely benign. Last evaluated: 2023-11-13. Review status: criteria provided, single submitter. Criteria: ACMG Guidelines, 2015. Collection method: clinical testing. Allele origin: germline.

PreventionGenetics, part of Exact Sciences
Classification: Likely benign for TMC8-related condition. Last evaluated: 2019-05-20. Review status: no assertion criteria provided. Collection method: clinical testing. Allele origin: germline. Not counted in ClinVar's aggregate classification.
Comment: This variant is classified as likely benign based on ACMG/AMP sequence variant interpretation guidelines (Richards et al. 2015 PMID: 25741868, with internal and published modifications).